The following is an entry in ClinVar:

ClinVar aggregate classification (germline): Uncertain significance. Review status: criteria provided, multiple submitters, no conflicts (2 of 4 stars). 5 submissions from 5 submitters: Uncertain significance (4). 1 of the submissions does not count toward it. Last evaluated 2024-12-20.

Conditions:
Short-rib thoracic dysplasia 10 with or without polydactyly (SRTD10). Identifiers: Orphanet 474, MedGen C3810175, MONDO:0014284, OMIM 615630.
Bardet-Biedl syndrome 20. Identifiers: MedGen C4310707, MONDO:0023670, OMIM 619471, MONDO:0014926.
Retinitis pigmentosa 71 (RP71). Identifiers: Orphanet 791, MedGen C4225342, MONDO:0014618, OMIM 616394.
Inborn genetic diseases. Identifiers: MedGen C0950123, MeSH D030342.
IFT172-related disorder. Also called: IFT172-related disorders; IFT172-related condition.

Allele frequency attached by ClinVar (database versions not stated): ExAC 0.00001; gnomAD exomes 0.00002; TOPMed 0.00005; gnomAD 0.00007.
gnomAD v4.1: 28 of 1,612,730 alleles (0.0017%); highest among the groups gnomAD compares: Middle Eastern, 0.039%; no homozygotes.

Submissions (5):

Ambry Genetics
Classification: Uncertain significance for Inborn genetic diseases. Last evaluated: 2024-12-20. Review status: criteria provided, single submitter. Criteria: Ambry Variant Classification Scheme 2023. Collection method: clinical testing. Allele origin: germline.

Fulgent Genetics
Classification: Uncertain significance for Short-rib thoracic dysplasia 10 with or without polydactyly; Retinitis pigmentosa 71; Bardet-Biedl syndrome 20. Last evaluated: 2024-03-22. Review status: criteria provided, single submitter. Criteria: ACMG Guidelines, 2015. Collection method: clinical testing. Allele origin: germline.

Labcorp Genetics (formerly Invitae), Labcorp
Classification: Uncertain significance for Retinitis pigmentosa 71; Short-rib thoracic dysplasia 10 with or without polydactyly. Last evaluated: 2024-01-22. Review status: criteria provided, single submitter. Criteria: Invitae Variant Classification Sherloc (09022015). Collection method: clinical testing. Allele origin: germline.
Comment: This sequence change replaces asparagine, which is neutral and polar, with serine, which is neutral and polar, at codon 208 of the IFT172 protein (p.Asn208Ser). This variant is present in population databases (rs771817287, gnomAD 0.01%). This variant has not been reported in the literature in individuals affected with IFT172-related conditions. ClinVar contains an entry for this variant (Variation ID: 941555). Advanced modeling of protein sequence and biophysical properties (such as structural, functional, and spatial information, amino acid conservation, physicochemical variation, residue mobility, and thermodynamic stability) performed at Invitae indicates that this missense variant is not expected to disrupt IFT172 protein function with a negative predictive value of 80%. In summary, the available evidence is currently insufficient to determine the role of this variant in disease. Therefore, it has been classified as a Variant of Uncertain Significance.

Blueprint Genetics
Classification: Uncertain significance. Last evaluated: 2020-03-24. Review status: criteria provided, single submitter. Criteria: ACMG Guidelines, 2015. Collection method: clinical testing. Allele origin: germline.

PreventionGenetics, part of Exact Sciences
Classification: Uncertain significance for IFT172-related condition. Last evaluated: 2024-08-12. Review status: no assertion criteria provided. Collection method: clinical testing. Allele origin: germline. Not counted in ClinVar's aggregate classification.
Comment: The IFT172 c.623A>G variant is predicted to result in the amino acid substitution p.Asn208Ser. To our knowledge, this variant has not been reported in the literature. This variant is reported in 0.010% of alleles in individuals of East Asian descent in gnomAD. At this time, the clinical significance of this variant is uncertain due to the absence of conclusive functional and genetic evidence.

NM_015662.3(IFT172):c.623A>G (p.Asn208Ser)

Gene: IFT172 (intraflagellar transport 172; minus strand). Cytogenetic location: 2p23.3.
Variant type: single nucleotide variant.
Coding change: c.623A>G on transcript NM_015662.3 (MANE Select); coding-DNA position 623, A replaced by G.
Protein change: p.Asn208Ser; replaces asparagine 208 with serine.
Molecular consequence: missense variant.
Genome position (GRCh38, 1-based): chr2:27,481,208, T>C on the plus strand (A>G on the coding strand, the complement: IFT172 is on the minus strand). VCF-style: chr2-27481208-T-C. GRCh37 (hg19) VCF-style: chr2-27704075-T-C.
Other names: c.623A>G (NM_015662.1); short protein forms N208S.
Identifiers: ClinVar variation 941555 (VCV000941555.14), dbSNP rs771817287, ClinGen allele CA1580906.